The following is an entry in ClinVar:

NM_000059.4(BRCA2):c.6252_6328dup (p.Asp2110delinsValTer)

Gene: BRCA2 (BRCA2 DNA repair associated; plus strand). Cytogenetic location: 13q13.1.
Variant type: Duplication.
Coding change: c.6252_6328dup on transcript NM_000059.4 (MANE Select); coding-DNA positions 6252 to 6328, 77 bases duplicated.
Protein change: p.Asp2110delinsValTer.
Molecular consequence: nonsense. On other transcripts: non-coding transcript variant (1), intron variant (2), frameshift variant (1).
Genome position (GRCh38, 1-based): chr13:32,340,607-32,340,683, 77 bases duplicated. GRCh37 (hg19): chr13:32,914,744-32,914,820.
Other names: c.6252_6328dup, p.Asp2110delinsValTer (NM_001406719.1, NM_001406720.1, NM_001432077.1); c.1910-3951_1910-3875dup (NM_001406721.1); c.425-3951_425-3875dup (NM_001406722.1); c.6252_6328dupTTTAATCAGAACTGAGCATAGTCTTCACTATTCACCTACGTCTAGACAAAATGTATCAAAAATACTTCCTCGTGTTG (NM_000059.3).
Identifiers: ClinVar variation 4824536 (VCV004824536.2).

ClinVar aggregate classification (germline): Pathogenic. Review status: criteria provided, multiple submitters, no conflicts (2 of 4 stars). 2 submissions from 2 submitters: Pathogenic (2). Last evaluated 2026-02-11.

Conditions:
Breast-ovarian cancer, familial, susceptibility to, 2 (BROVCA2). Also called: BRCA2 Hereditary Breast and Ovarian Cancer. Identifiers: Orphanet 145, MedGen C2675520, MONDO:0012933, OMIM 612555. Disease mechanism: loss of function.
Hereditary cancer-predisposing syndrome. Also called: Neoplastic Syndromes, Hereditary; Tumor predisposition; Hereditary neoplastic syndrome; Hereditary Cancer Syndrome. Identifiers: Orphanet 140162, MedGen C0027672, MeSH D009386, MONDO:0015356.

Submissions (2):

Ambry Genetics
Classification: Pathogenic for Hereditary cancer-predisposing syndrome. Last evaluated: 2026-02-11. Review status: criteria provided, single submitter. Criteria: Ambry Variant Classification Scheme 2023. Collection method: clinical testing. Allele origin: germline.
Comment: The c.6252_6328dup77 variant, located in coding exon 10 of the BRCA2 gene, results from a duplication of TTTAATCAGAACTGAGCATAGTCTTCACTATTCACCTACGTCTAGACAAAATGTATCAAAAATACTTCCTCGTGTTG at nucleotide position 6252, causing a translational frameshift with a predicted alternate stop codon (p.D2110Vfs*2). This variant is considered to be rare based on population cohorts in the Genome Aggregation Database (gnomAD). This variant is expected to result in loss of function by premature protein truncation or nonsense-mediated mRNA decay. As such, this variant is interpreted as a disease-causing mutation.

Myriad Genetics, Inc.
Classification: Pathogenic for Breast-ovarian cancer, familial, susceptibility to, 2. Last evaluated: 2026-02-11. Review status: criteria provided, single submitter. Criteria: Myriad Autosomal Dominant, Autosomal Recessive and X-Linked Classification Criteria (2023). Collection method: clinical testing. Allele origin: unknown.
Comment: This variant is considered pathogenic. This variant creates a frameshift predicted to result in premature protein truncation.